The following is an entry in ClinVar:

NM_017866.6(TMEM70):c.233A>G (p.Tyr78Cys)

Gene: TMEM70 (transmembrane protein 70; plus strand). Cytogenetic location: 8q21.11.
Variant type: single nucleotide variant.
Coding change: c.233A>G on transcript NM_017866.6 (MANE Select); coding-DNA position 233, A replaced by G.
Protein change: p.Tyr78Cys; replaces tyrosine 78 with cysteine.
Molecular consequence: missense variant. On other transcripts: non-coding transcript variant (1).
Genome position (GRCh38, 1-based): chr8:73,978,778, A>G. VCF-style: chr8-73978778-A-G. GRCh37 (hg19) VCF-style: chr8-74891013-A-G.
Other names: c.233A>G, p.Tyr78Cys (NM_001040613.3); short protein forms Y78C.
Identifiers: ClinVar variation 1360814 (VCV001360814.7), dbSNP rs1432671715, ClinGen allele CA371489532.

ClinVar aggregate classification (germline): Uncertain significance. Review status: criteria provided, multiple submitters, no conflicts (2 of 4 stars). 2 submissions from 2 submitters: Uncertain significance (2). Last evaluated 2025-07-08.

Conditions:
Mitochondrial complex V (ATP synthase) deficiency, nuclear type 2. Also called: ENCEPHALOCARDIOMYOPATHY, MITOCHONDRIAL, NEONATAL, DUE TO ATP SYNTHASE DEFICIENCY; MITOCHONDRIAL COMPLEX V (ATP SYNTHASE) DEFICIENCY, TMEM70 TYPE; Nuclear-Encoded ATPase Deficiency, TMEM70-Related. Identifiers: Orphanet 1194, MedGen C3279699, MONDO:0013546, OMIM 614052.

Allele frequency attached by ClinVar (database versions not stated): gnomAD exomes 0.00001 and 0.00003.
gnomAD v4.1: 17 of 1,613,936 alleles (0.0011%); highest among the groups gnomAD compares: East Asian, 0.031%; no homozygotes.

Submissions (2):

Labcorp Genetics (formerly Invitae), Labcorp
Classification: Uncertain significance for Mitochondrial complex V (ATP synthase) deficiency, nuclear type 2. Last evaluated: 2025-07-08. Review status: criteria provided, single submitter. Criteria: Invitae Variant Classification Sherloc (09022015). Collection method: clinical testing. Allele origin: germline.
Comment: This sequence change replaces tyrosine, which is neutral and polar, with cysteine, which is neutral and slightly polar, at codon 78 of the TMEM70 protein (p.Tyr78Cys). This variant is present in population databases (no rsID available, gnomAD 0.01%). This variant has not been reported in the literature in individuals affected with TMEM70-related conditions. ClinVar contains an entry for this variant (Variation ID: 1360814). Invitae Evidence Modeling of protein sequence and biophysical properties (such as structural, functional, and spatial information, amino acid conservation, physicochemical variation, residue mobility, and thermodynamic stability) indicates that this missense variant is not expected to disrupt TMEM70 protein function with a negative predictive value of 80%. In summary, the available evidence is currently insufficient to determine the role of this variant in disease. Therefore, it has been classified as a Variant of Uncertain Significance.

Fulgent Genetics
Classification: Uncertain significance for Mitochondrial complex V (ATP synthase) deficiency, nuclear type 2. Last evaluated: 2021-08-13. Review status: criteria provided, single submitter. Criteria: ACMG Guidelines, 2015. Collection method: clinical testing. Allele origin: unknown.